The following is an entry in ClinVar:

ClinVar aggregate classification (germline): Uncertain significance (1 of 4 stars; one submission).

Conditions:
Ehlers-Danlos syndrome, dermatosparaxis type. Also called: EDS VIIC; Ehlers-Danlos syndrome, type VII, autosomal recessive; Dermatosparaxis. Identifiers: Orphanet 1901, MedGen C2700425, MONDO:0009161, OMIM 225410.

Allele frequency attached by ClinVar (database versions not stated): TOPMed 0.00003; gnomAD exomes 0.00004; gnomAD 0.00006; ESP Exome Variant Server 0.00008.
gnomAD v4.1: 71 of 1,613,940 alleles (0.0044%); highest among the groups gnomAD compares: Admixed American, 0.013%; no homozygotes.

Submission:

Labcorp Genetics (formerly Invitae), Labcorp
Classification: Uncertain significance for Ehlers-Danlos syndrome, dermatosparaxis type. Last evaluated: 2021-08-13. Review status: criteria provided, single submitter. Criteria: Invitae Variant Classification Sherloc (09022015). Collection method: clinical testing. Allele origin: germline.
Comment: This sequence change replaces glycine with arginine at codon 716 of the ADAMTS2 protein (p.Gly716Arg). The glycine residue is highly conserved and there is a moderate physicochemical difference between glycine and arginine. This variant is present in population databases (rs370013405, ExAC 0.002%). This variant has not been reported in the literature in individuals affected with ADAMTS2-related conditions. Algorithms developed to predict the effect of missense changes on protein structure and function (SIFT, PolyPhen-2, Align-GVGD) all suggest that this variant is likely to be disruptive. Algorithms developed to predict the effect of sequence changes on RNA splicing suggest that this variant may create or strengthen a splice site. In summary, the available evidence is currently insufficient to determine the role of this variant in disease. Therefore, it has been classified as a Variant of Uncertain Significance.

NM_014244.5(ADAMTS2):c.2146G>A (p.Gly716Arg)

Gene: ADAMTS2 (ADAM metallopeptidase with thrombospondin type 1 motif 2; minus strand). Cytogenetic location: 5q35.3.
Variant type: single nucleotide variant.
Coding change: c.2146G>A on transcript NM_014244.5 (MANE Select); coding-DNA position 2146, G replaced by A.
Protein change: p.Gly716Arg; replaces glycine 716 with arginine.
Molecular consequence: missense variant.
Genome position (GRCh38, 1-based): chr5:179,132,840, C>T on the plus strand (G>A on the coding strand, the complement: ADAMTS2 is on the minus strand). VCF-style: chr5-179132840-C-T. GRCh37 (hg19) VCF-style: chr5-178559841-C-T.
Other names: short protein forms G716R.
Identifiers: ClinVar variation 1406860 (VCV001406860.5), dbSNP rs370013405, ClinGen allele CA3595654.